The following is an entry in ClinVar:

NM_003128.3(SPTBN1):c.1063A>G (p.Lys355Glu)

Gene: SPTBN1 (spectrin beta, non-erythrocytic 1; plus strand). Cytogenetic location: 2p16.2.
Variant type: single nucleotide variant.
Coding change: c.1063A>G on transcript NM_003128.3 (MANE Select); coding-DNA position 1063, A replaced by G.
Protein change: p.Lys355Glu; replaces lysine 355 with glutamic acid.
Molecular consequence: missense variant.
Genome position (GRCh38, 1-based): chr2:54,622,486, A>G. VCF-style: chr2-54622486-A-G. GRCh37 (hg19) VCF-style: chr2-54849623-A-G.
Other names: c.1024A>G, p.Lys342Glu (NM_178313.3); short protein forms K342E, K355E.
Identifiers: ClinVar variation 3250868 (VCV003250868.18), dbSNP rs2549513931.

ClinVar aggregate classification (germline): Uncertain significance (1 of 4 stars; one submission).

Allele frequency attached by ClinVar (database versions not stated): gnomAD exomes below 0.00001.
gnomAD v4.1: 3 of 1,613,942 alleles (0.00019%); highest among the groups gnomAD compares: African/African-American, 0.0013%; no homozygotes.

Submission:

CeGaT Center for Human Genetics Tuebingen
Classification: Uncertain significance. Last evaluated: 2024-06-01. Review status: criteria provided, single submitter. Criteria: CeGaT Center For Human Genetics Tuebingen Variant Classification Criteria Version 2. Collection method: clinical testing. Allele origin: germline. Affected: yes. Observed: 1 variant allele.
Comment: SPTBN1: PM2